The following is an entry in ClinVar:

ClinVar aggregate classification (germline): Uncertain significance (1 of 4 stars; one submission).

Submission:

CeGaT Center for Human Genetics Tuebingen
Classification: Uncertain significance. Last evaluated: 2025-08-01. Review status: criteria provided, single submitter. Criteria: CeGaT Center For Human Genetics Tuebingen Variant Classification Criteria Version 2. Collection method: clinical testing. Allele origin: germline. Affected: yes. Observed: 1 variant allele.
Comment: MAP1B: PM2

NM_005909.5(MAP1B):c.1438C>G (p.Pro480Ala)

Gene: MAP1B (microtubule associated protein 1B; plus strand). Cytogenetic location: 5q13.2.
Variant type: single nucleotide variant.
Coding change: c.1438C>G on transcript NM_005909.5 (MANE Select); coding-DNA position 1438, C replaced by G.
Protein change: p.Pro480Ala; replaces proline 480 with alanine.
Molecular consequence: missense variant.
Genome position (GRCh38, 1-based): chr5:72,194,793, C>G. VCF-style: chr5-72194793-C-G. GRCh37 (hg19) VCF-style: chr5-71490620-C-G.
Other names: c.1060C>G, p.Pro354Ala (NM_001324255.2); short protein forms P354A, P480A.
Identifiers: ClinVar variation 4085050 (VCV004085050.8).